The following is an entry in ClinVar:

ClinVar aggregate classification (germline): Uncertain significance (1 of 4 stars; one submission).

gnomAD v4.1: 8 of 1,613,132 alleles (0.0005%); highest among the groups gnomAD compares: African/African-American, 0.004%; no homozygotes.

Submission:

Labcorp Genetics (formerly Invitae), Labcorp
Classification: Uncertain significance. Last evaluated: 2024-11-16. Review status: criteria provided, single submitter. Criteria: Invitae Variant Classification Sherloc (09022015). Collection method: clinical testing. Allele origin: germline.
Comment: This sequence change replaces glutamic acid, which is acidic and polar, with lysine, which is basic and polar, at codon 2194 of the CACNA1E protein (p.Glu2194Lys). This variant is not present in population databases (gnomAD no frequency). This variant has not been reported in the literature in individuals affected with CACNA1E-related conditions. Invitae Evidence Modeling of protein sequence and biophysical properties (such as structural, functional, and spatial information, amino acid conservation, physicochemical variation, residue mobility, and thermodynamic stability) indicates that this missense variant is not expected to disrupt CACNA1E protein function with a negative predictive value of 95%. In summary, the available evidence is currently insufficient to determine the role of this variant in disease. Therefore, it has been classified as a Variant of Uncertain Significance.

NM_001205293.3(CACNA1E):c.6709G>A (p.Glu2237Lys)

Gene: CACNA1E (calcium voltage-gated channel subunit alpha1 E; plus strand). Cytogenetic location: 1q25.3.
Variant type: single nucleotide variant.
Coding change: c.6709G>A on transcript NM_001205293.3 (MANE Select); coding-DNA position 6709, G replaced by A.
Protein change: p.Glu2237Lys; replaces glutamic acid 2237 with lysine.
Molecular consequence: missense variant.
Genome position (GRCh38, 1-based): chr1:181,798,601, G>A. VCF-style: chr1-181798601-G-A. GRCh37 (hg19) VCF-style: chr1-181767737-G-A.
Other names: c.6580G>A, p.Glu2194Lys (NM_000721.4); c.6523G>A, p.Glu2175Lys (NM_001205294.2); short protein forms E2175K, E2194K, E2237K.
Identifiers: ClinVar variation 3628223 (VCV003628223.2).